The following is an entry in ClinVar:

ClinVar aggregate classification (germline): Uncertain significance (1 of 4 stars; one submission).

Allele frequency attached by ClinVar (database versions not stated): gnomAD exomes below 0.00001.
gnomAD v4.1: 1 of 1,613,656 alleles (0.000062%); highest among the groups gnomAD compares: Non-Finnish European, 0.000085%; no homozygotes.

Submission:

Labcorp Genetics (formerly Invitae), Labcorp
Classification: Uncertain significance. Last evaluated: 2022-07-09. Review status: criteria provided, single submitter. Criteria: Invitae Variant Classification Sherloc (09022015). Collection method: clinical testing. Allele origin: germline.
Comment: This sequence change replaces threonine, which is neutral and polar, with alanine, which is neutral and non-polar, at codon 460 of the DMXL2 protein (p.Thr460Ala). This variant is not present in population databases (gnomAD no frequency). This variant has not been reported in the literature in individuals affected with DMXL2-related conditions. Algorithms developed to predict the effect of missense changes on protein structure and function (SIFT, PolyPhen-2, Align-GVGD) all suggest that this variant is likely to be tolerated. In summary, the available evidence is currently insufficient to determine the role of this variant in disease. Therefore, it has been classified as a Variant of Uncertain Significance.

NM_001378457.1(DMXL2):c.1378A>G (p.Thr460Ala)

Gene: DMXL2 (Dmx like 2; minus strand). Cytogenetic location: 15q21.2.
Variant type: single nucleotide variant.
Coding change: c.1378A>G on transcript NM_001378457.1 (MANE Select); coding-DNA position 1378, A replaced by G.
Protein change: p.Thr460Ala; replaces threonine 460 with alanine.
Molecular consequence: missense variant. On other transcripts: non-coding transcript variant (2).
Genome position (GRCh38, 1-based): chr15:51,537,727, T>C on the plus strand (A>G on the coding strand, the complement: DMXL2 is on the minus strand). VCF-style: chr15-51537727-T-C. GRCh37 (hg19) VCF-style: chr15-51829924-T-C.
Other names: c.1378A>G, p.Thr460Ala (NM_001378458.1, NM_001378459.1, NM_001378460.1 and 6 more transcripts); c.1138A>G, p.Thr380Ala (NM_001378464.1); short protein forms T380A, T460A.
Identifiers: ClinVar variation 2133152 (VCV002133152.4), dbSNP rs2548611959, ClinGen allele CA392467763.